The following is an entry in ClinVar:

NM_014921.5(ADGRL1):c.964G>A (p.Val322Ile)

Genes: ADGRL1-AS1 (ADGRL1 antisense RNA 1; plus strand), ADGRL1 (adhesion G protein-coupled receptor L1; minus strand). Cytogenetic location: 19p13.12.
Variant type: single nucleotide variant.
Coding change: c.964G>A on transcript NM_014921.5 (MANE Select); coding-DNA position 964, G replaced by A.
Protein change: p.Val322Ile; replaces valine 322 with isoleucine.
Molecular consequence: missense variant.
Genome position (GRCh38, 1-based): chr19:14,162,837, C>T on the plus strand (G>A on the coding strand, the complement: ADGRL1 is on the minus strand). VCF-style: chr19-14162837-C-T. GRCh37 (hg19) VCF-style: chr19-14273649-C-T.
Other names: c.979G>A, p.Val327Ile (NM_001008701.3); short protein forms V322I, V327I.
Identifiers: ClinVar variation 3778019 (VCV003778019.7).

ClinVar aggregate classification (germline): Likely benign (1 of 4 stars; one submission).

gnomAD v4.1: 1,153 of 1,614,104 alleles (0.071%); highest among the groups gnomAD compares: East Asian, 0.4%; 2 homozygotes.

Submission:

CeGaT Center for Human Genetics Tuebingen
Classification: Likely benign. Last evaluated: 2025-08-01. Review status: criteria provided, single submitter. Criteria: CeGaT Center For Human Genetics Tuebingen Variant Classification Criteria Version 2. Collection method: clinical testing. Allele origin: germline. Affected: yes. Observed: 3 variant alleles.
Comment: ADGRL1: BS1